The following is an entry in ClinVar:

NM_015602.4(TOR1AIP1):c.899G>A (p.Arg300Lys)

Gene: TOR1AIP1 (torsin 1A interacting protein 1; plus strand). Cytogenetic location: 1q25.2.
Variant type: single nucleotide variant.
Coding change: c.899G>A on transcript NM_015602.4 (MANE Select); coding-DNA position 899, G replaced by A.
Protein change: p.Arg300Lys; replaces arginine 300 with lysine.
Molecular consequence: missense variant.
Genome position (GRCh38, 1-based): chr1:179,908,665, G>A. VCF-style: chr1-179908665-G-A. GRCh37 (hg19) VCF-style: chr1-179877800-G-A.
Other names: c.902G>A, p.Arg301Lys (NM_001267578.2); short protein forms R300K, R301K.
Identifiers: ClinVar variation 3343406 (VCV003343406.1).

ClinVar aggregate classification (germline): Uncertain significance (1 of 4 stars; one submission).

gnomAD v4.1: 3 of 1,613,120 alleles (0.00019%); highest among the groups gnomAD compares: Non-Finnish European, 0.00025%; no homozygotes.

Submission:

GeneDx
Classification: Uncertain significance. Last evaluated: 2023-05-16. Review status: criteria provided, single submitter. Criteria: GeneDx Variant Classification Process June 2021. Collection method: clinical testing. Allele origin: germline. Affected: yes.
Comment: Not observed at significant frequency in large population cohorts (gnomAD); In silico analysis supports that this missense variant does not alter protein structure/function; Has not been previously published as pathogenic or benign to our knowledge